The following is an entry in ClinVar:

ClinVar aggregate classification (germline): Uncertain significance (1 of 4 stars; one submission).

Conditions:
Pulmonary hypertension, primary, 4. Identifiers: Orphanet 422, MedGen C3809198, MONDO:0014136, OMIM 615344.

Allele frequency attached by ClinVar (database versions not stated): gnomAD 0.00001; TOPMed 0.00001.
gnomAD v4.1: 2 of 1,591,534 alleles (0.00013%); highest among the groups gnomAD compares: East Asian, 0.0023%; no homozygotes.

Submission:

Labcorp Genetics (formerly Invitae), Labcorp
Classification: Uncertain significance for Pulmonary hypertension, primary, 4. Last evaluated: 2023-06-17. Review status: criteria provided, single submitter. Criteria: Invitae Variant Classification Sherloc (09022015). Collection method: clinical testing. Allele origin: germline.
Comment: This variant has not been reported in the literature in individuals affected with KCNK3-related conditions. This variant is not present in population databases (gnomAD no frequency). This sequence change replaces glycine, which is neutral and non-polar, with arginine, which is basic and polar, at codon 349 of the KCNK3 protein (p.Gly349Arg). An algorithm developed to predict the effect of missense changes on protein structure and function (PolyPhen-2) suggests that this variant is likely to be tolerated. In summary, the available evidence is currently insufficient to determine the role of this variant in disease. Therefore, it has been classified as a Variant of Uncertain Significance.

NM_002246.3(KCNK3):c.1045G>A (p.Gly349Arg)

Gene: KCNK3 (potassium two pore domain channel subfamily K member 3; plus strand). Cytogenetic location: 2p23.3.
Variant type: single nucleotide variant.
Coding change: c.1045G>A on transcript NM_002246.3 (MANE Select); coding-DNA position 1045, G replaced by A.
Protein change: p.Gly349Arg; replaces glycine 349 with arginine.
Molecular consequence: missense variant.
Genome position (GRCh38, 1-based): chr2:26,728,428, G>A. VCF-style: chr2-26728428-G-A. GRCh37 (hg19) VCF-style: chr2-26951296-G-A.
Other names: short protein forms G349R.
Identifiers: ClinVar variation 2898407 (VCV002898407.3), dbSNP rs1210812256, ClinGen allele CA346263310.